The following is an entry in ClinVar:

ClinVar aggregate classification (germline): no classifications from unflagged records (0 of 4 stars; one submission).

Conditions:
Congenital disorder of glycosylation, type IIbb (CDG2BB). Also called: CDG IIbb. Identifiers: MedGen C5882705, MONDO:0957820, OMIM 620546.

Submission:

OMIM
Classification: Pathogenic for CONGENITAL DISORDER OF GLYCOSYLATION, TYPE IIbb. Last evaluated: 2023-10-19. Review status: flagged submission. Collection method: literature only. Allele origin: germline.
ClinVar note: Notes: Flagging candidate with reason of insufficient supporting evidence. This gene has been classified as having a limited gene-disease relationship by a ClinGen Expert Panel.
ClinVar note: Reason: P/LP classification for a variant in a gene with insufficient evidence for a gene-disease relationship

Literature cited by the submitters: PubMed 37711075.

NM_031431.4(COG3):c.124T>C (p.Ser42Pro)

Gene: COG3 (component of oligomeric golgi complex 3; plus strand). Cytogenetic location: 13q14.13.
Variant type: single nucleotide variant.
Coding change: c.124T>C on transcript NM_031431.4 (MANE Select); coding-DNA position 124, T replaced by C.
Protein change: p.Ser42Pro; replaces serine 42 with proline.
Molecular consequence: missense variant.
Genome position (GRCh38, 1-based): chr13:45,465,160, T>C. VCF-style: chr13-45465160-T-C. GRCh37 (hg19) VCF-style: chr13-46039295-T-C.
Other names: short protein forms S42P.
Identifiers: ClinVar variation 2584759 (VCV002584759.1), dbSNP rs1259403392, ClinGen allele CA388097627.